The following is an entry in ClinVar:

NM_001018005.2(TPM1):c.685T>C (p.Ser229Pro)

Gene: TPM1 (tropomyosin 1; plus strand). Cytogenetic location: 15q22.2.
Variant type: single nucleotide variant.
Coding change: c.685T>C on transcript NM_001018005.2 (MANE Select); coding-DNA position 685, T replaced by C.
Protein change: p.Ser229Pro; replaces serine 229 with proline.
Molecular consequence: missense variant. On other transcripts: non-coding transcript variant (17).
Genome position (GRCh38, 1-based): chr15:63,062,260, T>C. VCF-style: chr15-63062260-T-C. GRCh37 (hg19) VCF-style: chr15-63354459-T-C.
Other names: c.685T>C, p.Ser229Pro (NM_001407336.1, NM_001407337.1, NM_001407338.1 and 20 more transcripts); c.577T>C, p.Ser193Pro (NM_001407340.1, NM_001407341.1, NM_001407342.1 and 9 more transcripts); c.811T>C, p.Ser271Pro (NM_001365778.1, NM_001407322.1, NM_001407323.1 and 1 more transcripts); short protein forms S193P, S229P, S271P.
Identifiers: ClinVar variation 3075010 (VCV003075010.1), dbSNP rs2542842620, ClinGen allele CA392724485.

ClinVar aggregate classification (germline): Uncertain significance (1 of 4 stars; one submission).

Conditions:
Hypertrophic cardiomyopathy. Also called: HYPERTROPHIC MYOCARDIOPATHY. Identifiers: Orphanet 217569, MedGen C0007194, MeSH D002312, MONDO:0005045, HP:0001639.

Submission:

All of Us Research Program, National Institutes of Health
Classification: Uncertain significance for Hypertrophic cardiomyopathy. Last evaluated: 2024-01-06. Review status: criteria provided, single submitter. Criteria: ACMG Guidelines, 2015. Collection method: clinical testing. Allele origin: germline. Inheritance: Autosomal dominant inheritance. Observed: 1 variant allele, 1 heterozygote.
Comment: This study involves interpretation of variants in research participants for the purpose of population health screening. Participant phenotype was not available at the time of variant classification. Additional details can be found in publication PMID: 35346344, PMCID: PMC8962531